The following is an entry in ClinVar:

NM_001113378.2(FANCI):c.2458G>T (p.Asp820Tyr)

Gene: FANCI (FA complementation group I; plus strand). Cytogenetic location: 15q26.1.
Variant type: single nucleotide variant.
Coding change: c.2458G>T on transcript NM_001113378.2 (MANE Select); coding-DNA position 2458, G replaced by T.
Protein change: p.Asp820Tyr; replaces aspartic acid 820 with tyrosine.
Molecular consequence: missense variant. On other transcripts: intron variant (1).
Genome position (GRCh38, 1-based): chr15:89,294,916, G>T. VCF-style: chr15-89294916-G-T. GRCh37 (hg19) VCF-style: chr15-89838147-G-T.
Other names: c.2179G>T, p.Asp727Tyr (NM_001376910.1); c.2458G>T, p.Asp820Tyr (NM_001376911.1); c.2456+919G>T (NM_018193.3); short protein forms D727Y, D820Y.
Identifiers: ClinVar variation 1379678 (VCV001379678.6), dbSNP rs2151754385, ClinGen allele CA393750578.

ClinVar aggregate classification (germline): Uncertain significance (1 of 4 stars; one submission).

Conditions:
Fanconi anemia (FA). Also called: Fanconi's anemia. Identifiers: Orphanet 84, MedGen C0015625, MeSH D005199, MONDO:0019391.

gnomAD v4.1: 1 of 1,551,946 alleles (0.000064%); highest among the groups gnomAD compares: Middle Eastern, 0.017%; no homozygotes.

Submission:

Labcorp Genetics (formerly Invitae), Labcorp
Classification: Uncertain significance for Fanconi anemia. Last evaluated: 2021-10-28. Review status: criteria provided, single submitter. Criteria: Invitae Variant Classification Sherloc (09022015). Collection method: clinical testing. Allele origin: germline.
Comment: In summary, the available evidence is currently insufficient to determine the role of this variant in disease. Therefore, it has been classified as a Variant of Uncertain Significance. Algorithms developed to predict the effect of sequence changes on RNA splicing suggest that this variant may create or strengthen a splice site. Algorithms developed to predict the effect of missense changes on protein structure and function are either unavailable or do not agree on the potential impact of this missense change (SIFT: "Deleterious"; PolyPhen-2: "Probably Damaging"; Align-GVGD: "Class C0"). This variant has not been reported in the literature in individuals affected with FANCI-related conditions. This variant is not present in population databases (gnomAD no frequency). This sequence change replaces aspartic acid, which is acidic and polar, with tyrosine, which is neutral and polar, at codon 820 of the FANCI protein (p.Asp820Tyr).